The following is an entry in ClinVar:

NM_003628.6(PKP4):c.2379A>C (p.Lys793Asn)

Genes: PKP4 (plakophilin 4; plus strand), PKP4-AS1 (PKP4 antisense RNA 1; minus strand). Cytogenetic location: 2q24.1.
Variant type: single nucleotide variant.
Coding change: c.2379A>C on transcript NM_003628.6 (MANE Select); coding-DNA position 2379, A replaced by C.
Protein change: p.Lys793Asn; replaces lysine 793 with asparagine.
Molecular consequence: missense variant.
Genome position (GRCh38, 1-based): chr2:158,663,064, A>C. VCF-style: chr2-158663064-A-C. GRCh37 (hg19) VCF-style: chr2-159519576-A-C.
Other names: c.2379A>C, p.Lys793Asn (NM_001005476.4, NM_001304971.2, NM_001377218.1 and 1 more transcripts); c.2376A>C, p.Lys792Asn (NM_001304969.3, NM_001377219.1, NM_001377220.1 and 2 more transcripts); c.1350A>C, p.Lys450Asn (NM_001304970.3); c.2373A>C, p.Lys791Asn (NM_001377222.1, NM_001377223.1); c.2370A>C, p.Lys790Asn (NM_001377224.1); short protein forms K792N, K790N, K793N, K791N, K450N.
Identifiers: ClinVar variation 3419570 (VCV003419570.1).

ClinVar aggregate classification (germline): Uncertain significance (1 of 4 stars; one submission).

gnomAD v4.1: 1 of 1,611,024 alleles (0.000062%); highest among the groups gnomAD compares: Non-Finnish European, 0.000085%; no homozygotes.

Submission:

Ambry Genetics
Classification: Uncertain significance. Last evaluated: 2024-08-03. Review status: criteria provided, single submitter. Criteria: Ambry Variant Classification Scheme 2023. Collection method: clinical testing. Allele origin: germline.
Comment: The p.K793N variant (also known as c.2379A>C), located in coding exon 13 of the PKP4 gene, results from an A to C substitution at nucleotide position 2379. The lysine at codon 793 is replaced by asparagine, an amino acid with similar properties. This amino acid position is conserved. In addition, the in silico prediction for this alteration is inconclusive. Based on the available evidence, the clinical significance of this variant remains unclear.